The following is an entry in ClinVar:

NM_001127222.2(CACNA1A):c.4298G>A (p.Arg1433Gln)

Gene: CACNA1A (calcium voltage-gated channel subunit alpha1 A; minus strand). Cytogenetic location: 19p13.13.
Variant type: single nucleotide variant.
Coding change: c.4298G>A on transcript NM_001127222.2 (MANE Select); coding-DNA position 4298, G replaced by A.
Protein change: p.Arg1433Gln; replaces arginine 1433 with glutamine.
Molecular consequence: missense variant.
Genome position (GRCh38, 1-based): chr19:13,259,654, C>T on the plus strand (G>A on the coding strand, the complement: CACNA1A is on the minus strand). VCF-style: chr19-13259654-C-T. GRCh37 (hg19) VCF-style: chr19-13370468-C-T.
Other names: c.4310G>A, p.Arg1437Gln (NM_000068.4, NM_023035.3); c.4301G>A, p.Arg1434Gln (NM_001127221.2, NM_001174080.2); short protein forms R1433Q, R1434Q, R1437Q.
Identifiers: ClinVar variation 1188286 (VCV001188286.9), dbSNP rs2144758462, ClinGen allele CA404339402.

ClinVar aggregate classification (germline): Uncertain significance. Review status: criteria provided, multiple submitters, no conflicts (2 of 4 stars). 3 submissions from 3 submitters: Uncertain significance (3). Last evaluated 2023-08-30.

Conditions:
Developmental and epileptic encephalopathy, 42 (DEE42A). Also called: DEVELOPMENTAL AND EPILEPTIC ENCEPHALOPATHY 42A; EPILEPTIC ENCEPHALOPATHY, EARLY INFANTILE, 42A; Epileptic encephalopathy, early infantile, 42. Identifiers: MedGen C4310716, MONDO:0014917, OMIM 617106.

Allele frequency attached by ClinVar (database versions not stated): gnomAD exomes below 0.00001.
gnomAD v4.1: 1 of 1,610,658 alleles (0.000062%); highest among the groups gnomAD compares: Non-Finnish European, 0.000085%; no homozygotes.

Submissions (3):

GeneDx
Classification: Uncertain significance. Last evaluated: 2023-08-30. Review status: criteria provided, single submitter. Criteria: GeneDx Variant Classification Process June 2021. Collection method: clinical testing. Allele origin: germline. Affected: yes.
Comment: Reported in a patient with mild intellectual disability, cerebellar ataxia, and epilepsy in published literature; however, the variant was also present in the patient's asymptomatic parent (Hommersom et al., 2022); Not observed at significant frequency in large population cohorts (gnomAD); In silico analysis supports that this missense variant has a deleterious effect on protein structure/function; This variant is associated with the following publications: (PMID: Arias_2021, 35595874, 34806130)

Institute of Human Genetics, University of Leipzig Medical Center
Classification: Uncertain significance for Developmental and epileptic encephalopathy, 42. Last evaluated: 2022-11-29. Review status: criteria provided, single submitter. Criteria: ACMG Guidelines, 2015. Collection method: clinical testing. Allele origin: unknown. Affected: yes.
Comment: _x000D_ Criteria applied: PM2_SUP, PM1, PP3, PP4

Athena Diagnostics
Classification: Uncertain significance. Last evaluated: 2021-04-20. Review status: criteria provided, single submitter. Criteria: Athena Diagnostics criteria. Collection method: clinical testing. Allele origin: unknown.

Literature cited by the submitters: PubMed 15136697 (cited by Athena Diagnostics).